The following is an entry in ClinVar:

NM_001040716.2(PC):c.1716C>T (p.Asp572=)

Gene: PC (pyruvate carboxylase; minus strand). Cytogenetic location: 11q13.2.
Variant type: single nucleotide variant.
Coding change: c.1716C>T on transcript NM_001040716.2 (MANE Select); coding-DNA position 1716, C replaced by T.
Protein change: p.Asp572=; no amino-acid change (aspartic acid 572 retained).
Molecular consequence: synonymous variant.
Genome position (GRCh38, 1-based): chr11:66,852,548, G>A on the plus strand (C>T on the coding strand, the complement: PC is on the minus strand). VCF-style: chr11-66852548-G-A. GRCh37 (hg19) VCF-style: chr11-66620019-G-A.
Other names: c.1716C>T (NM_001040716.1); c.1716C>T, p.Asp572= (NM_000920.4, NM_022172.3).
Identifiers: ClinVar variation 1125591 (VCV001125591.10), dbSNP rs577570512, ClinGen allele CA6131286.

ClinVar aggregate classification (germline): Likely benign. Review status: criteria provided, multiple submitters, no conflicts (2 of 4 stars). 2 submissions from 2 submitters: Likely benign (2). Last evaluated 2026-01-20.

Conditions:
PC-related disorder. Also called: PC-related condition.
Pyruvate carboxylase deficiency. Also called: ATAXIA WITH LACTIC ACIDOSIS II; Pyruvate Carboxylase Deficiency Disease; LEIGH NECROTIZING ENCEPHALOPATHY DUE TO PYRUVATE CARBOXYLASE DEFICIENCY; LEIGH SYNDROME DUE TO PYRUVATE CARBOXYLASE DEFICIENCY; PC DEFICIENCY. Identifiers: Orphanet 3008, MedGen C0034341, MONDO:0009949, OMIM 266150.

Allele frequency attached by ClinVar (database versions not stated): gnomAD exomes 0.00002 and 0.00006; ExAC 0.00008; TOPMed 0.00010; gnomAD 0.00016 and 0.00017; 1000 Genomes Project 0.00040; 1000 Genomes Project 30x 0.00047.
gnomAD v4.1: 58 of 1,614,012 alleles (0.0036%); highest among the groups gnomAD compares: African/African-American, 0.037%; no homozygotes.

Submissions (2):

Labcorp Genetics (formerly Invitae), Labcorp
Classification: Likely benign for Pyruvate carboxylase deficiency. Last evaluated: 2026-01-20. Review status: criteria provided, single submitter. Criteria: Invitae Variant Classification Sherloc (09022015). Collection method: clinical testing. Allele origin: germline.

PreventionGenetics, part of Exact Sciences
Classification: Likely benign for PC-related condition. Last evaluated: 2025-06-24. Review status: criteria provided, single submitter. Criteria: ACMG Guidelines, 2015. Collection method: clinical testing. Allele origin: germline.
Comment: This variant is classified as likely benign based on ACMG/AMP sequence variant interpretation guidelines (Richards et al. 2015 PMID: 25741868, with internal and published modifications).